The following is an entry in ClinVar:

NM_006231.4(POLE):c.1556A>G (p.Lys519Arg)

Gene: POLE (DNA polymerase epsilon, catalytic subunit; minus strand). Cytogenetic location: 12q24.33.
Variant type: single nucleotide variant.
Coding change: c.1556A>G on transcript NM_006231.4 (MANE Select); coding-DNA position 1556, A replaced by G.
Protein change: p.Lys519Arg; replaces lysine 519 with arginine.
Molecular consequence: missense variant.
Genome position (GRCh38, 1-based): chr12:132,672,757, T>C on the plus strand (A>G on the coding strand, the complement: POLE is on the minus strand). VCF-style: chr12-132672757-T-C. GRCh37 (hg19) VCF-style: chr12-133249343-T-C.
Other names: short protein forms K519R.
Identifiers: ClinVar variation 3935685 (VCV003935685.1).
Genomic context (GRCh38, chr12:132,672,757, plus strand): 5'-TAGGTCTCAGAGTCCAGCACGTGTCCGTCGTCCGTCAGCTTATTGAACTCCTGCTCTTGC[T>C]TGTTGGGGAAGATGATGTTGGCGTGGAAGGCCTGCACCATCAGCAAGGCCTCACACAGAG-3'
Protein context (NP_006222.2, residues 509-529): AFHANIIFPN[Lys519Arg]QEQEFNKLTD

ClinVar aggregate classification (germline): Uncertain significance (1 of 4 stars; one submission).

Conditions:
Hereditary cancer-predisposing syndrome. Also called: Tumor predisposition; Hereditary neoplastic syndrome; Hereditary Cancer Syndrome; Neoplastic Syndromes, Hereditary. Identifiers: Orphanet 140162, MedGen C0027672, MeSH D009386, MONDO:0015356.

gnomAD v4.1: 2 of 1,614,178 alleles (0.00012%); highest among the groups gnomAD compares: Non-Finnish European, 0.00017%; no homozygotes.

Submission:

Ambry Genetics
Classification: Uncertain significance for Hereditary cancer-predisposing syndrome. Last evaluated: 2025-05-27. Review status: criteria provided, single submitter. Criteria: Ambry Variant Classification Scheme 2023. Collection method: clinical testing. Allele origin: germline.
Comment: The p.K519R variant (also known as c.1556A>G), located in coding exon 15 of the POLE gene, results from an A to G substitution at nucleotide position 1556. The lysine at codon 519 is replaced by arginine, an amino acid with highly similar properties. This amino acid position is highly conserved in available vertebrate species. In addition, this alteration is predicted to be tolerated by in silico analysis. Based on the available evidence, the clinical significance of this variant remains unclear.